The following is an entry in ClinVar:

ClinVar aggregate classification (germline): Uncertain significance. Review status: criteria provided, single submitter (1 of 4 stars). 2 submissions from 2 submitters: Uncertain significance (1). 1 of the submissions does not count toward it. Last evaluated 2024-11-14.

Conditions:
ALOX5AP-related disorder. Also called: ALOX5AP-related condition.

Allele frequency attached by ClinVar (database versions not stated): gnomAD exomes 0.00021; TOPMed 0.00021; ExAC 0.00023; gnomAD 0.00031; ESP Exome Variant Server 0.00038.
gnomAD v4.1: 350 of 1,614,140 alleles (0.022%); highest among the groups gnomAD compares: Non-Finnish European, 0.024%; no homozygotes.

Submissions (2):

Ambry Genetics
Classification: Uncertain significance. Last evaluated: 2024-11-14. Review status: criteria provided, single submitter. Criteria: Ambry Variant Classification Scheme 2023. Collection method: clinical testing. Allele origin: germline.

PreventionGenetics, part of Exact Sciences
Classification: Uncertain significance for ALOX5AP-related condition. Last evaluated: 2024-07-26. Review status: no assertion criteria provided. Collection method: clinical testing. Allele origin: germline. Not counted in ClinVar's aggregate classification.
Comment: The ALOX5AP c.352A>G variant is predicted to result in the amino acid substitution p.Ile118Val. To our knowledge, this variant has not been reported in the literature. This variant is reported in 0.096% of alleles in individuals of Ashkenazi Jewish descent in gnomAD. At this time, the clinical significance of this variant is uncertain due to the absence of conclusive functional and genetic evidence.

NM_001629.4(ALOX5AP):c.352A>G (p.Ile118Val)

Gene: ALOX5AP (arachidonate 5-lipoxygenase activating protein; plus strand). Cytogenetic location: 13q12.3.
Variant type: single nucleotide variant.
Coding change: c.352A>G on transcript NM_001629.4 (MANE Select); coding-DNA position 352, A replaced by G.
Protein change: p.Ile118Val; replaces isoleucine 118 with valine.
Molecular consequence: missense variant.
Genome position (GRCh38, 1-based): chr13:30,763,972, A>G. VCF-style: chr13-30763972-A-G. GRCh37 (hg19) VCF-style: chr13-31338109-A-G.
Other names: c.352A>G (NM_001629.3); c.523A>G, p.Ile175Val (NM_001204406.2); short protein forms I175V, I118V.
Identifiers: ClinVar variation 2356965 (VCV002356965.4), dbSNP rs141412081, ClinGen allele CA6934864.